The following is an entry in ClinVar:

ClinVar aggregate classification (germline): Uncertain significance (1 of 4 stars; one submission).

Allele frequency attached by ClinVar (database versions not stated): gnomAD 0.00002; gnomAD exomes 0.00002; TOPMed 0.00003; ExAC 0.00004; ESP Exome Variant Server 0.00015.
gnomAD v4.1: 28 of 1,612,204 alleles (0.0017%); highest among the groups gnomAD compares: Non-Finnish European, 0.0018%; no homozygotes.

Submission:

Labcorp Genetics (formerly Invitae), Labcorp
Classification: Uncertain significance. Last evaluated: 2022-07-30. Review status: criteria provided, single submitter. Criteria: Invitae Variant Classification Sherloc (09022015). Collection method: clinical testing. Allele origin: germline.
Comment: This sequence change replaces proline, which is neutral and non-polar, with alanine, which is neutral and non-polar, at codon 376 of the TMPRSS15 protein (p.Pro376Ala). This variant is present in population databases (rs200225629, gnomAD 0.02%). This variant has not been reported in the literature in individuals affected with TMPRSS15-related conditions. Algorithms developed to predict the effect of missense changes on protein structure and function are either unavailable or do not agree on the potential impact of this missense change (SIFT: "Not Available"; PolyPhen-2: "Benign"; Align-GVGD: "Not Available"). In summary, the available evidence is currently insufficient to determine the role of this variant in disease. Therefore, it has been classified as a Variant of Uncertain Significance.

NM_002772.3(TMPRSS15):c.1126C>G (p.Pro376Ala)

Gene: TMPRSS15 (transmembrane serine protease 15; minus strand). Cytogenetic location: 21q21.1.
Variant type: single nucleotide variant.
Coding change: c.1126C>G on transcript NM_002772.3 (MANE Select); coding-DNA position 1126, C replaced by G.
Protein change: p.Pro376Ala; replaces proline 376 with alanine.
Molecular consequence: missense variant.
Genome position (GRCh38, 1-based): chr21:18,352,948, G>C on the plus strand (C>G on the coding strand, the complement: TMPRSS15 is on the minus strand). VCF-style: chr21-18352948-G-C. GRCh37 (hg19) VCF-style: chr21-19725265-G-C.
Other names: short protein forms P376A.
Identifiers: ClinVar variation 2068642 (VCV002068642.1), dbSNP rs200225629, ClinGen allele CA9984546.
Genomic context (GRCh38, chr21:18,352,948, plus strand): 5'-TTAAATGAATTATACCTGAAGCATTGCCAAAAGTGTGGTCAAAATTGGGTCCAGTAAAAG[G>C]AGAAAAGGTGCTTCCCTGAATCCTTTCCCATTCATTATCATCATTTAGATCCTGGACCCA-3'
Protein context (NP_002763.3, residues 366-386): WERIQGSTFS[Pro376Ala]FTGPNFDHTF